The following is an entry in ClinVar:

ClinVar aggregate classification (germline): Uncertain significance (1 of 4 stars; one submission).

Submission:

CeGaT Center for Human Genetics Tuebingen
Classification: Uncertain significance. Last evaluated: 2022-10-01. Review status: criteria provided, single submitter. Criteria: CeGaT Center For Human Genetics Tuebingen Variant Classification Criteria Version 2. Collection method: clinical testing. Allele origin: germline. Affected: yes. Observed: 1 variant allele.
Comment: ITSN2: PM2

NM_006277.3(ITSN2):c.2845T>C (p.Ser949Pro)

Gene: ITSN2 (intersectin 2; minus strand). Cytogenetic location: 2p23.3.
Variant type: single nucleotide variant.
Coding change: c.2845T>C on transcript NM_006277.3 (MANE Select); coding-DNA position 2845, T replaced by C.
Protein change: p.Ser949Pro; replaces serine 949 with proline.
Molecular consequence: missense variant.
Genome position (GRCh38, 1-based): chr2:24,257,931, A>G on the plus strand (T>C on the coding strand, the complement: ITSN2 is on the minus strand). VCF-style: chr2-24257931-A-G. GRCh37 (hg19) VCF-style: chr2-24480800-A-G.
Other names: c.2803T>C, p.Ser935Pro (NM_001348181.2); c.2725T>C, p.Ser909Pro (NM_001348182.2, NM_001348186.2); c.2764T>C, p.Ser922Pro (NM_001348183.2, NM_019595.4); c.2722T>C, p.Ser908Pro (NM_001348184.2); c.2806T>C, p.Ser936Pro (NM_001348185.2); c.2845T>C, p.Ser949Pro (NM_147152.3); short protein forms S908P, S909P, S922P, S935P, S936P, S949P.
Identifiers: ClinVar variation 2650715 (VCV002650715.24), dbSNP rs2466208610, ClinGen allele CA346022076.
Genomic context (GRCh38, chr2:24,257,931, plus strand): 5'-CACATAAAGATGCTTACTCTTCCCGTTTTACTTCACTCCCAGGAATGATCTTGACATAAG[A>G]TTTGGGAAACCATCCTCTTCCTCCATGCACCTCCCCAAACCACCAATTTTCTTGCTGCTC-3'
Protein context (NP_006268.2, residues 939-959): VHGGRGWFPK[Ser949Pro]YVKIIPGSEV